The following is an entry in ClinVar:

ClinVar aggregate classification (germline): Uncertain significance (1 of 4 stars; one submission).

gnomAD v4.1: 28 of 1,610,850 alleles (0.0017%); highest among the groups gnomAD compares: Admixed American, 0.0034%; no homozygotes.

Submission:

Labcorp Genetics (formerly Invitae), Labcorp
Classification: Uncertain significance. Last evaluated: 2024-10-17. Review status: criteria provided, single submitter. Criteria: Invitae Variant Classification Sherloc (09022015). Collection method: clinical testing. Allele origin: germline.
Comment: This sequence change replaces alanine, which is neutral and non-polar, with threonine, which is neutral and polar, at codon 546 of the WDR36 protein (p.Ala546Thr). This variant is present in population databases (no rsID available, gnomAD 0.004%). This variant has not been reported in the literature in individuals affected with WDR36-related conditions. Invitae Evidence Modeling of protein sequence and biophysical properties (such as structural, functional, and spatial information, amino acid conservation, physicochemical variation, residue mobility, and thermodynamic stability) indicates that this missense variant is not expected to disrupt WDR36 protein function with a negative predictive value of 80%. In summary, the available evidence is currently insufficient to determine the role of this variant in disease. Therefore, it has been classified as a Variant of Uncertain Significance.

NM_139281.3(WDR36):c.1468G>A (p.Ala490Thr)

Gene: WDR36 (WD repeat domain 36; plus strand). Cytogenetic location: 5q22.1.
Variant type: single nucleotide variant.
Coding change: c.1468G>A on transcript NM_139281.3 (MANE Select); coding-DNA position 1468, G replaced by A.
Protein change: p.Ala490Thr; replaces alanine 490 with threonine.
Molecular consequence: missense variant.
Genome position (GRCh38, 1-based): chr5:111,110,814, G>A. VCF-style: chr5-111110814-G-A. GRCh37 (hg19) VCF-style: chr5-110446513-G-A.
Other names: short protein forms A490T.
Identifiers: ClinVar variation 3719515 (VCV003719515.2).